The following is an entry in ClinVar:

ClinVar aggregate classification (germline): Uncertain significance. Review status: reviewed by expert panel (3 of 4 stars). 2 submissions from 2 submitters: Uncertain significance (1). 1 of the submissions does not count toward it. Last evaluated 2026-05-05.

Conditions:
ABCA4-related retinopathy. Also called: ABCA4-related retinoapthy; ABCA4 retinoapthy. Identifiers: MedGen CN322612, MONDO:0800406.

Submissions (2):

ClinGen ABCA4 Variant Curation Expert Panel, Clingen
Classification: Uncertain significance for ABCA4-related retinopathy. Last evaluated: 2026-05-05. Review status: reviewed by expert panel. Criteria: ClinGen ABCA4 ACMG Specifications V1.0.0. Collection method: curation. Allele origin: germline. Inheritance: Autosomal recessive inheritance.
Comment: The NM_000350.3(ABCA4):c.6119G>C variant in ABCA4 is a missense variant predicted to cause substitution of arginine by proline at amino acid 2040 (p.Arg2040Pro). This variant is absent from gnomAD v4.1.0 meeting PM2_Supporting. The computational predictor REVEL gives a score of 0.959 which is above the threshold of >0.772 meeting PP3_Moderate. Another missense variant, c.6119G>A; p.Arg2040Gln, in the same codon has been classified as pathogenic for ABCA4-related retinopathy by the ClinGen ABCA4 VCEP meeting PM5. At least one patient with this variant has been reported by a clinical lab in ClinVar, but they do not meet the phenotype criteria specified by the ABCA4 VCEP (ClinVar SCV001147324.28). In summary, this variant meets the criteria to be classified as a variant of uncertain significance for ABCA4-related retinopathy based on the ACMG/AMP criteria applied, as specified by the ClinGen ABCA4 VCEP specification version 1.0.0: PM2_Supporting, PP3_Moderate, PM5.

CeGaT Center for Human Genetics Tuebingen
Classification: Likely pathogenic. Last evaluated: 2019-10-01. Review status: criteria provided, single submitter. Criteria: CeGaT Center For Human Genetics Tuebingen Variant Classification Criteria Version 2. Collection method: clinical testing. Allele origin: germline. Affected: yes. Observed: 1 variant allele. Not counted in ClinVar's aggregate classification.

NM_000350.3(ABCA4):c.6119G>C (p.Arg2040Pro)

Gene: ABCA4 (ATP binding cassette subfamily A member 4; minus strand). Cytogenetic location: 1p22.1.
Variant type: single nucleotide variant.
Coding change: c.6119G>C on transcript NM_000350.3 (MANE Select); coding-DNA position 6119, G replaced by C.
Protein change: p.Arg2040Pro; replaces arginine 2040 with proline.
Molecular consequence: missense variant.
Genome position (GRCh38, 1-based): chr1:94,005,469, C>G on the plus strand (G>C on the coding strand, the complement: ABCA4 is on the minus strand). VCF-style: chr1-94005469-C-G. GRCh37 (hg19) VCF-style: chr1-94471025-C-G.
Other names: NM_000350.3(ABCA4):c.6119G>C; p.Arg2040Pro; c.5897G>C, p.Arg1966Pro (NM_001425324.1); short protein forms R2040P, R1966P.
Identifiers: ClinVar variation 806157 (VCV000806157.43), dbSNP rs148460146, ClinGen allele CA341278921.